The following is an entry in ClinVar:

NM_000051.4(ATM):c.7079A>T (p.Tyr2360Phe)

Genes: ATM (ATM serine/threonine kinase; plus strand), C11orf65 (chromosome 11 open reading frame 65; minus strand). Cytogenetic location: 11q22.3.
Variant type: single nucleotide variant.
Coding change: c.7079A>T on transcript NM_000051.4 (MANE Select); coding-DNA position 7079, A replaced by T.
Protein change: p.Tyr2360Phe; replaces tyrosine 2360 with phenylalanine.
Molecular consequence: missense variant. On other transcripts: intron variant (2).
Genome position (GRCh38, 1-based): chr11:108,327,748, A>T. VCF-style: chr11-108327748-A-T. GRCh37 (hg19) VCF-style: chr11-108198475-A-T.
Other names: c.7079A>T, p.Tyr2360Phe (NM_001351834.2); c.641-18677T>A (NM_001330368.2); c.*38+7472T>A (NM_001351110.2); short protein forms Y2360F.
Identifiers: ClinVar variation 2762231 (VCV002762231.5), dbSNP rs1555121141, ClinGen allele CA382559157.
Genomic context (GRCh38, chr11:108,327,748, plus strand): 5'-TTTGTGGCAACTGGTTAGCAGAAACGTGCTTAGAAAATCCTGCGGTCATCATGCAGACCT[A>T]TCTAGAAAAGGTAAGATTTTTGGAGCAACCCTTAAGATAGTTACTTAGCATGAATATGCT-3'
Protein context (NP_000042.3, residues 2350-2370): LENPAVIMQT[Tyr2360Phe]LEKAVEVAGN

ClinVar aggregate classification (germline): Uncertain significance. Review status: criteria provided, multiple submitters, no conflicts (2 of 4 stars). 3 submissions from 3 submitters: Uncertain significance (3). Last evaluated 2026-04-08.

Conditions:
Hereditary cancer-predisposing syndrome. Also called: Tumor predisposition; Neoplastic Syndromes, Hereditary; Hereditary Cancer Syndrome; Hereditary neoplastic syndrome. Identifiers: Orphanet 140162, MedGen C0027672, MeSH D009386, MONDO:0015356.
Ataxia-telangiectasia syndrome (AT). Also called: LOUIS-BAR SYNDROME; Cerebello-oculocutaneous telangiectasia; Immunodeficiency with ataxia telangiectasia; Ataxia telangiectasia (A-T); Ataxia-telangiectasia, complementation group D; AT, COMPLEMENTATION GROUP C. Identifiers: Orphanet 100, MedGen C0004135, MONDO:0008840, OMIM 208900.

Submissions (3):

Ambry Genetics
Classification: Uncertain significance for Hereditary cancer-predisposing syndrome. Last evaluated: 2026-04-08. Review status: criteria provided, single submitter. Criteria: Ambry Variant Classification Scheme 2023. Collection method: clinical testing. Allele origin: germline.
Comment: The p.Y2360F variant (also known as c.7079A>T), located in coding exon 47 of the ATM gene, results from an A to T substitution at nucleotide position 7079. The tyrosine at codon 2360 is replaced by phenylalanine, an amino acid with highly similar properties. This amino acid position is conserved. In addition, the in silico prediction for this alteration is inconclusive. Based on the available evidence, the clinical significance of this variant remains unclear.

Color Diagnostics, LLC DBA Color Health
Classification: Uncertain significance for Hereditary cancer-predisposing syndrome. Last evaluated: 2025-05-12. Review status: criteria provided, single submitter. Criteria: ACMG Guidelines, 2015. Collection method: clinical testing. Allele origin: germline.
Comment: This missense variant replaces tyrosine with phenylalanine at codon 2360 of the ATM protein. Computational prediction is inconclusive regarding the impact of this variant on protein structure and function. To our knowledge, functional studies have not been reported for this variant. This variant has not been reported in individuals affected with ATM-related disorders in the literature. This variant has not been identified in the general population by the Genome Aggregation Database (gnomAD). The available evidence is insufficient to determine the role of this variant in disease conclusively. Therefore, this variant is classified as a Variant of Uncertain Significance.

Labcorp Genetics (formerly Invitae), Labcorp
Classification: Uncertain significance for Ataxia-telangiectasia syndrome. Last evaluated: 2023-09-21. Review status: criteria provided, single submitter. Criteria: Invitae Variant Classification Sherloc (09022015). Collection method: clinical testing. Allele origin: germline.
Comment: This sequence change replaces tyrosine, which is neutral and polar, with phenylalanine, which is neutral and non-polar, at codon 2360 of the ATM protein (p.Tyr2360Phe). In summary, the available evidence is currently insufficient to determine the role of this variant in disease. Therefore, it has been classified as a Variant of Uncertain Significance. An algorithm developed to predict the effect of missense changes on protein structure and function (PolyPhen-2) suggests that this variant is likely to be disruptive. This variant has not been reported in the literature in individuals affected with ATM-related conditions. This variant is not present in population databases (gnomAD no frequency).